The following is an entry in ClinVar:

NM_000155.4(GALT):c.739G>C (p.Ala247Pro)

Gene: GALT (galactose-1-phosphate uridylyltransferase; plus strand). Cytogenetic location: 9p13.3.
Variant type: single nucleotide variant.
Coding change: c.739G>C on transcript NM_000155.4 (MANE Select); coding-DNA position 739, G replaced by C.
Protein change: p.Ala247Pro; replaces alanine 247 with proline.
Molecular consequence: missense variant.
Genome position (GRCh38, 1-based): chr9:34,648,813, G>C. VCF-style: chr9-34648813-G-C. GRCh37 (hg19) VCF-style: chr9-34648810-G-C.
Other names: p.Ala247Pro; c.412G>C, p.Ala138Pro (NM_001258332.2); short protein forms A138P, A247P.
Identifiers: ClinVar variation 2683039 (VCV002683039.1), dbSNP rs2492872125, ClinGen allele CA373283722.
Genomic context (GRCh38, chr9:34,648,813, plus strand): 5'-TCTTCCTAGGAACGTCTGGTCCTAACCAGTGAGCACTGGTTAGTACTGGTCCCCTTCTGG[G>C]CAACATGGCCCTACCAGACACTGCTGCTGCCCCGTCGGCATGTGCGGCGGCTACCTGAGC-3'
Protein context (NP_000146.2, residues 237-257): EHWLVLVPFW[Ala247Pro]TWPYQTLLLP

ClinVar aggregate classification (germline): Uncertain significance (1 of 4 stars; one submission).

Submission:

Mayo Clinic Laboratories, Mayo Clinic
Classification: Uncertain significance. Last evaluated: 2022-07-08. Review status: criteria provided, single submitter. Criteria: ACMG Guidelines, 2015. Collection method: clinical testing. Allele origin: germline. Observed: 1 variant allele.
Comment: PP3, PM2